The following is an entry in ClinVar:

NC_000017.10:g.(56774221_56780556)_(56811704_?)del

Gene: RAD51C (RAD51 paralog C; plus strand). Cytogenetic location: 17q22.
Variant type: Deletion.
Identifiers: ClinVar variation 992235 (VCV000992235.1).

ClinVar aggregate classification (germline): Pathogenic (1 of 4 stars; one submission).

Conditions:
Hereditary breast ovarian cancer syndrome. Also called: Hereditary breast and ovarian cancer; Hereditary breast and/or ovarian cancer syndrome; BRCA1- and BRCA2-Associated Hereditary Breast and Ovarian Cancer; Hereditary breast and ovarian cancer syndrome; Breast and ovarian cancer; Hereditary breast and ovarian cancer syndrome (HBOC). Identifiers: Orphanet 145, MedGen C0677776, MeSH D061325, MONDO:0003582. Disease mechanism: loss of function.

Submission:

Women's Health and Genetics/Laboratory Corporation of America, LabCorp
Classification: Pathogenic for Hereditary breast and ovarian cancer syndrome. Last evaluated: 2020-12-30. Review status: criteria provided, single submitter. Criteria: LabCorp Variant Classification Summary - May 2015. Collection method: clinical testing. Allele origin: germline.
Comment: Variant summary: The variant identified by MLPA or other technology involves the deletion of exons 4-9 in the RAD51C gene. A presumed nomenclature of c.(571+1_572-1)_(*121_?)del has been designated for the purposes of this classification. Although exact breakpoints of this alteration are not known, it is expected to result in the deletion of large portion of the C-terminal region in the RAD51C protein. A deletion allele encompassing exons 4-9 and extending beyond the RAD51C gene region was found at a frequency of 9.4e-05 in 21174 control chromosomes (gnomAD, Structural Variants dataset). Deletion of exons 4-9 was also detected in 2 women older than age 70 years who have never had cancer (FLOSSIES Database). Nevertheless, deletion of exons 4-9 has been reported in the literature in individuals affected with Hereditary Breast And Ovarian Cancer Syndrome (e.g. Desmond_2015). In addition, other gross deletions affecting the C-terminal region of RAD51C (i.e. deletion of exons 5-9 and 6-9) have been classified by our laboratory and are cited in online databases as pathogenic (ClinVar Variation IDs: 584295, 663955) and disease-associated (HGMD accessions: CG1312838, CG1825327, CG1816936, CG1712844), while they have been reported in multiple individuals and families affected with HBOC (e.g. PMIDs: 24359560, 30322717, 30426508, 28796317). These data indicate that the variant is likely to be associated with disease. To our knowledge, no experimental evidence demonstrating an impact on protein function has been reported. A ClinVar submitter (evaluation after 2014) cites the variant as pathogenic. Based on the evidence outlined above, the variant was classified as pathogenic.

Literature cited by the submitters: PubMed 26270727; PubMed 32090079.